The following is an entry in ClinVar:

NM_001330700.2(TOP2B):c.4854T>A (p.Asp1618Glu)

Gene: TOP2B (DNA topoisomerase II beta; minus strand). Cytogenetic location: 3p24.2.
Variant type: single nucleotide variant.
Coding change: c.4854T>A on transcript NM_001330700.2 (MANE Select); coding-DNA position 4854, T replaced by A.
Protein change: p.Asp1618Glu; replaces aspartic acid 1618 with glutamic acid.
Molecular consequence: missense variant.
Genome position (GRCh38, 1-based): chr3:25,598,334, A>T on the plus strand (T>A on the coding strand, the complement: TOP2B is on the minus strand). VCF-style: chr3-25598334-A-T. GRCh37 (hg19) VCF-style: chr3-25639825-A-T.
Other names: c.4839T>A, p.Asp1613Glu (NM_001068.3); short protein forms D1618E, D1613E.
Identifiers: ClinVar variation 3651799 (VCV003651799.2).

ClinVar aggregate classification (germline): Uncertain significance (1 of 4 stars; one submission).

gnomAD v4.1: 13 of 1,610,290 alleles (0.00081%); highest among the groups gnomAD compares: East Asian, 0.013%; no homozygotes.

Submission:

Labcorp Genetics (formerly Invitae), Labcorp
Classification: Uncertain significance. Last evaluated: 2024-11-27. Review status: criteria provided, single submitter. Criteria: Invitae Variant Classification Sherloc (09022015). Collection method: clinical testing. Allele origin: germline.
Comment: This sequence change replaces aspartic acid, which is acidic and polar, with glutamic acid, which is acidic and polar, at codon 1613 of the TOP2B protein (p.Asp1613Glu). This variant is present in population databases (rs374745650, gnomAD 0.05%). This variant has not been reported in the literature in individuals affected with TOP2B-related conditions. An algorithm developed to predict the effect of missense changes on protein structure and function outputs the following: PolyPhen-2: "Benign". The glutamic acid amino acid residue is found in multiple mammalian species, which suggests that this missense change does not adversely affect protein function. In summary, the available evidence is currently insufficient to determine the role of this variant in disease. Therefore, it has been classified as a Variant of Uncertain Significance.